The following is an entry in ClinVar:

ClinVar aggregate classification (germline): Likely benign. Review status: criteria provided, multiple submitters, no conflicts (2 of 4 stars). 2 submissions from 2 submitters: Likely benign (2). Last evaluated 2026-01-09.

Conditions:
Hypertrophic cardiomyopathy. Also called: HYPERTROPHIC MYOCARDIOPATHY. Identifiers: Orphanet 217569, MedGen C0007194, MeSH D002312, MONDO:0005045, HP:0001639.

Allele frequency attached by ClinVar (database versions not stated): TOPMed below 0.00001; 1000 Genomes Project 0.00060; gnomAD 0.00003; 1000 Genomes Project 30x 0.00047; gnomAD exomes below 0.00001 and 0.00002; ExAC 0.00003.
gnomAD v4.1: 6 of 1,604,820 alleles (0.00037%); highest among the groups gnomAD compares: East Asian, 0.0067%; no homozygotes.

Submissions (2):

Labcorp Genetics (formerly Invitae), Labcorp
Classification: Likely benign for Hypertrophic cardiomyopathy. Last evaluated: 2026-01-09. Review status: criteria provided, single submitter. Criteria: Invitae Variant Classification Sherloc (09022015). Collection method: clinical testing. Allele origin: germline.

Laboratory for Molecular Medicine, Mass General Brigham Personalized Medicine
Classification: Likely benign. Last evaluated: 2013-07-18. Review status: criteria provided, single submitter. Criteria: LMM Criteria. Collection method: clinical testing. Allele origin: germline. Observed: 1 variant allele.
Comment: 5559+11C>T in intron 37 of MYH7: This variant is not expected to have clinical s ignificance because it is not located within the splice consensus sequence. 555 9+11C>T in intron 37 of MYH7 (allele frequency = not available)

NM_000257.4(MYH7):c.5559+11C>T

Gene: MYH7 (myosin heavy chain 7; minus strand). Cytogenetic location: 14q11.2.
Variant type: single nucleotide variant.
Coding change: c.5559+11C>T on transcript NM_000257.4 (MANE Select); 11 bases into the intron after coding-DNA position 5559, C replaced by T.
Molecular consequence: intron variant.
Genome position (GRCh38, 1-based): chr14:23,414,984, G>A on the plus strand (C>T on the coding strand, the complement: MYH7 is on the minus strand). VCF-style: chr14-23414984-G-A. GRCh37 (hg19) VCF-style: chr14-23884193-G-A.
Identifiers: ClinVar variation 179077 (VCV000179077.7), dbSNP rs565014760, ClinGen allele CA016229.